The following is an entry in ClinVar:

ClinVar aggregate classification (germline): Uncertain significance. Review status: criteria provided, multiple submitters, no conflicts (2 of 4 stars). 2 submissions from 2 submitters: Uncertain significance (2). Last evaluated 2025-05-04.

Conditions:
Breast-ovarian cancer, familial, susceptibility to, 4. Identifiers: Orphanet 145, MedGen C3280345, MONDO:0013669, OMIM 614291.

Submissions (2):

Mayo Clinic Laboratories, Mayo Clinic
Classification: Uncertain significance. Last evaluated: 2025-05-04. Review status: criteria provided, single submitter. Criteria: ACMG Guidelines, 2015. Collection method: clinical testing. Allele origin: germline. Observed: 1 variant allele.
Comment: PM2_supporting

Baylor Genetics
Classification: Uncertain significance for Breast-ovarian cancer, familial, susceptibility to, 4. Last evaluated: 2024-01-04. Review status: criteria provided, single submitter. Criteria: ACMG Guidelines, 2015. Collection method: clinical testing. Allele origin: unknown.

NM_002878.4(RAD51D):c.661A>T (p.Arg221Trp)

Genes: RAD51L3-RFFL (RAD51L3-RFFL readthrough; minus strand), RAD51D (RAD51 paralog D; minus strand). Cytogenetic location: 17q12.
Variant type: single nucleotide variant.
Coding change: c.661A>T on transcript NM_002878.4 (MANE Select); coding-DNA position 661, A replaced by T.
Protein change: p.Arg221Trp; replaces arginine 221 with tryptophan.
Molecular consequence: missense variant. On other transcripts: non-coding transcript variant (3).
Genome position (GRCh38, 1-based): chr17:35,103,460, T>A on the plus strand (A>T on the coding strand, the complement: RAD51D is on the minus strand). VCF-style: chr17-35103460-T-A. GRCh37 (hg19) VCF-style: chr17-33430479-T-A.
Other names: p.Arg221Trp; c.721A>T, p.Arg241Trp (NM_001142571.2); c.325A>T, p.Arg109Trp (NM_133629.3); short protein forms R109W, R221W, R241W.
Identifiers: ClinVar variation 3240257 (VCV003240257.2), dbSNP rs2142420234.